The following is an entry in ClinVar:

NM_033305.3(VPS13A):c.3743_3746dup (p.Ser1249fs)

Gene: VPS13A (vacuolar protein sorting 13 homolog A; plus strand). Cytogenetic location: 9q21.2.
Variant type: Microsatellite.
Coding change: c.3743_3746dup on transcript NM_033305.3 (MANE Select); coding-DNA positions 3743 to 3746, 4 bases duplicated (AGAG; older notation c.3743_3746dupAGAG).
Protein change: p.Ser1249fs; shifts the reading frame from serine 1249.
Molecular consequence: frameshift variant.
Genome position (GRCh38, 1-based): chr9:77,295,777-77,295,780, AGAG duplicated; duplicating any 4 consecutive bases within chr9:77,295,775-77,295,780 gives the same sequence; the c. name uses the placement nearest the transcript's 3' end. VCF-style (leftmost placement, unchanged base first): chr9-77295774-C-CAGAG. GRCh37 (hg19) VCF-style: chr9-79910690-C-CAGAG.
Other names: c.3740_3741insAGAG (NM_033305.3); c.3626_3629dup, p.Ser1210fs (NM_001018037.2); c.3743_3746dup, p.Ser1249fs (NM_001018038.3, NM_015186.4); short protein forms S1210fs, S1249fs.
Identifiers: ClinVar variation 2431039 (VCV002431039.2), dbSNP rs2537897004, ClinGen allele CA2580616213.
Genomic context (GRCh38, chr9:77,295,774, plus strand): 5'-AAAATGTTTTTGTTGCTGATTTTGGACTAATTACAATGACAAATACCTTTCATATGATAA[C>CAGAG]AGAGAGCCAGAGCTCTCCCCCACCTGTTATTGATTTGATAACAATAAAGCTGAGTGAAAT-3'

ClinVar aggregate classification (germline): Likely pathogenic (1 of 4 stars; one submission).

Conditions:
VPS13A-related neurodegenerative disease. Also called: LEVINE-CRITCHLEY SYNDROME; Choreoacanthocytosis; Chorea-acanthocytosis; ACANTHOCYTOSIS WITH NEUROLOGIC DISORDER; VPS13A Disease; Choreaacanthocytosis. Identifiers: Orphanet 2388, MedGen C0393576, MONDO:0008695, OMIM 200150.

Submission:

Department of Paediatric Medicine, Post Graduation Institute of Medical Education and Research
Classification: Likely pathogenic for VPS13A-related neurodegenerative disease. Last evaluated: 2023-03-01. Review status: criteria provided, single submitter. Criteria: ACMG Guidelines, 2015. Collection method: clinical testing. Allele origin: inherited. Inheritance: Autosomal recessive inheritance. Affected: no. Observed: 1 variant allele, 1 heterozygote.
Comment: PVS1, PM2